The following is an entry in ClinVar:

ClinVar aggregate classification (germline): Conflicting classifications of pathogenicity. Review status: criteria provided, conflicting classifications (1 of 4 stars). 2 submissions from 2 submitters: Uncertain significance (1); Benign (1). Last evaluated 2022-08-01.

Submissions (2):

CeGaT Center for Human Genetics Tuebingen
Classification: Benign. Last evaluated: 2022-08-01. Review status: criteria provided, single submitter. Criteria: CeGaT Center For Human Genetics Tuebingen Variant Classification Criteria Version 2. Collection method: clinical testing. Allele origin: germline. Affected: yes. Observed: 1 variant allele.
Comment: SPRED1: BS1, BS2

Breakthrough Genomics
Classification: Uncertain significance. Review status: criteria provided, single submitter. Criteria: ACMG Guidelines, 2015. Collection method: not provided. Allele origin: germline. Inheritance: Autosomal dominant inheritance. Affected: yes.

NM_152594.3(SPRED1):c.*578AT[13]

Gene: SPRED1 (sprouty related EVH1 domain containing 1; plus strand). Cytogenetic location: 15q14.
Variant type: Microsatellite.
Coding change: c.*578AT[13] on transcript NM_152594.3 (MANE Select); 13 copies in a row of the 2-base unit AT starting at c.*578; the reference has nine copies in a row; four copies, 8 bases duplicated.
Molecular consequence: 3 prime UTR variant.
Genome position (GRCh38, 1-based): chr15:38,352,252-38,352,259, ATATATAT duplicated; duplicating any 8 consecutive bases within chr15:38,352,242-38,352,259 gives the same sequence; the position shown is the placement nearest the transcript's 3' end. VCF-style (leftmost placement, unchanged base first): chr15-38352241-G-GATATATAT. GRCh37 (hg19) VCF-style: chr15-38644442-G-GATATATAT.
Identifiers: ClinVar variation 315746 (VCV000315746.36), dbSNP rs147547509, ClinGen allele CA10641672.